The following is an entry in ClinVar:

NM_017934.7(PHIP):c.1389+10A>T

Gene: PHIP (PHIP subunit of CUL4-Ring ligase complex; minus strand). Cytogenetic location: 6q14.1.
Variant type: single nucleotide variant.
Coding change: c.1389+10A>T on transcript NM_017934.7 (MANE Select); 10 bases into the intron after coding-DNA position 1389, A replaced by T.
Molecular consequence: intron variant.
Genome position (GRCh38, 1-based): chr6:79,015,620, T>A on the plus strand (A>T on the coding strand, the complement: PHIP is on the minus strand). VCF-style: chr6-79015620-T-A. GRCh37 (hg19) VCF-style: chr6-79725337-T-A.
Identifiers: ClinVar variation 3358218 (VCV003358218.2).
Genomic context (GRCh38, chr6:79,015,620, plus strand): 5'-CCTCAATGAGAATGTTTCATTCTATAGTCAGCTTCAGTTATATCAAATAAAGATTAGAAT[T>A]TTTTCTCACCATCAGGACATGAATTAGTTGACCAGTGTAAGAATTCCAAACTTTCAGAGT-3'

ClinVar aggregate classification (germline): Likely benign. Review status: criteria provided, single submitter (1 of 4 stars). 2 submissions from 2 submitters: Likely benign (1). 1 of the submissions does not count toward it. Last evaluated 2021-09-03.

Conditions:
PHIP-related disorder. Also called: PHIP-related condition; PHIP-related disorders.

gnomAD v4.1: 21 of 1,577,120 alleles (0.0013%); highest among the groups gnomAD compares: Non-Finnish European, 0.0017%; no homozygotes.

Submissions (2):

Blueprint Genetics
Classification: Likely benign. Last evaluated: 2021-09-03. Review status: criteria provided, single submitter. Criteria: ACMG Guidelines, 2015. Collection method: clinical testing. Allele origin: germline.

PreventionGenetics, part of Exact Sciences
Classification: Likely benign for PHIP-related condition. Last evaluated: 2021-10-28. Review status: no assertion criteria provided. Collection method: clinical testing. Allele origin: germline. Not counted in ClinVar's aggregate classification.
Comment: This variant is classified as likely benign based on ACMG/AMP sequence variant interpretation guidelines (Richards et al. 2015 PMID: 25741868, with internal and published modifications).